The following is an entry in ClinVar:

NM_001042492.3(NF1):c.4837_4840del (p.Phe1613fs)

Gene: NF1 (neurofibromin 1; plus strand). Cytogenetic location: 17q11.2.
Variant type: Deletion.
Coding change: c.4837_4840del on transcript NM_001042492.3 (MANE Select); coding-DNA positions 4837 to 4840, 4 bases deleted (TTCA; older notation c.4837_4840delTTCA).
Protein change: p.Phe1613fs; shifts the reading frame from phenylalanine 1613.
Molecular consequence: frameshift variant.
Genome position (GRCh38, 1-based): chr17:31,325,821-31,325,824, TTCA deleted. VCF-style (leftmost placement, unchanged base first): chr17-31325820-GTTCA-G. GRCh37 (hg19) VCF-style: chr17-29652838-GTTCA-G.
Other names: c.4774_4777delTTCA, p.Phe1592Lysfs (NM_000267.4); short protein forms F1592fs, F1613fs.
Identifiers: ClinVar variation 1451284 (VCV001451284.6), dbSNP rs2151537475, ClinGen allele CA2573153677.

ClinVar aggregate classification (germline): Pathogenic (1 of 4 stars; one submission).

Conditions:
Neurofibromatosis, type 1 (NF1). Also called: NEUROFIBROMATOSIS, TYPE I, SOMATIC; VON RECKLINGHAUSEN DISEASE; Peripheral type neurofibromatosis; Neurofibromatosis, type I. Identifiers: Orphanet 636, MedGen C0027831, MONDO:0018975, OMIM 162200. Disease mechanism: loss of function.

Submission:

Labcorp Genetics (formerly Invitae), Labcorp
Classification: Pathogenic for Neurofibromatosis, type 1. Last evaluated: 2021-05-06. Review status: criteria provided, single submitter. Criteria: Invitae Variant Classification Sherloc (09022015). Collection method: clinical testing. Allele origin: germline.
Comment: For these reasons, this variant has been classified as Pathogenic. This variant has not been reported in the literature in individuals with NF1-related conditions. This variant is not present in population databases (ExAC no frequency). This sequence change creates a premature translational stop signal (p.Phe1592Lysfs*10) in the NF1 gene. It is expected to result in an absent or disrupted protein product. Loss-of-function variants in NF1 are known to be pathogenic (PMID: 10712197, 23913538).

Literature cited by the submitters: PubMed 10712197; PubMed 23913538.